The following is an entry in ClinVar:

ClinVar aggregate classification (germline): Uncertain significance (1 of 4 stars; one submission).

Conditions:
Inborn genetic diseases. Identifiers: MedGen C0950123, MeSH D030342.

gnomAD v4.1: 3 of 1,384,074 alleles (0.00022%); highest among the groups gnomAD compares: Non-Finnish European, 0.00028%; no homozygotes.

Submission:

Ambry Genetics
Classification: Uncertain significance for Inborn genetic diseases. Last evaluated: 2025-04-17. Review status: criteria provided, single submitter. Criteria: Ambry Variant Classification Scheme 2023. Collection method: clinical testing. Allele origin: germline.
Comment: The p.E122D variant (also known as c.366G>C), located in coding exon 1 of the SH2B3 gene, results from a G to C substitution at nucleotide position 366. The glutamic acid at codon 122 is replaced by aspartic acid, an amino acid with highly similar properties. This amino acid position is conserved. In addition, this alteration is predicted to be tolerated by in silico analysis. Based on the available evidence, the clinical significance of this variant remains unclear.

NM_005475.3(SH2B3):c.366G>C (p.Glu122Asp)

Gene: SH2B3 (SH2B adaptor protein 3; plus strand). Cytogenetic location: 12q24.12.
Variant type: single nucleotide variant.
Coding change: c.366G>C on transcript NM_005475.3 (MANE Select); coding-DNA position 366, G replaced by C.
Protein change: p.Glu122Asp; replaces glutamic acid 122 with aspartic acid.
Molecular consequence: missense variant.
Genome position (GRCh38, 1-based): chr12:111,418,511, G>C. VCF-style: chr12-111418511-G-C. GRCh37 (hg19) VCF-style: chr12-111856315-G-C.
Other names: short protein forms E122D.
Identifiers: ClinVar variation 3953458 (VCV003953458.1).